The following is an entry in ClinVar:

ClinVar aggregate classification (germline): Pathogenic (1 of 4 stars; one submission).

Allele frequency attached by ClinVar (database versions not stated): ExAC 0.00002.
gnomAD v4.1: 1 of 1,599,338 alleles (0.000063%); highest among the groups gnomAD compares: South Asian, 0.0011%; no homozygotes.

Submission:

Labcorp Genetics (formerly Invitae), Labcorp
Classification: Pathogenic. Last evaluated: 2023-09-04. Review status: criteria provided, single submitter. Criteria: Invitae Variant Classification Sherloc (09022015). Collection method: clinical testing. Allele origin: germline.
Comment: For these reasons, this variant has been classified as Pathogenic. Algorithms developed to predict the effect of sequence changes on RNA splicing suggest that this variant may disrupt the consensus splice site. This variant has not been reported in the literature in individuals affected with TG-related conditions. The frequency data for this variant in the population databases is considered unreliable, as metrics indicate poor data quality at this position in the gnomAD database. This sequence change creates a premature translational stop signal (p.Gln1069*) in the TG gene. It is expected to result in an absent or disrupted protein product. Loss-of-function variants in TG are known to be pathogenic (PMID: 19837936, 23164529).

Literature cited by the submitters: PubMed 19837936; PubMed 23164529.

NM_003235.5(TG):c.3205C>T (p.Gln1069Ter)

Gene: TG (thyroglobulin; plus strand). Cytogenetic location: 8q24.22.
Variant type: single nucleotide variant.
Coding change: c.3205C>T on transcript NM_003235.5 (MANE Select); coding-DNA position 3205, C replaced by T.
Protein change: p.Gln1069Ter; replaces glutamine 1069 with a stop codon.
Molecular consequence: nonsense.
Genome position (GRCh38, 1-based): chr8:132,898,234, C>T. VCF-style: chr8-132898234-C-T. GRCh37 (hg19) VCF-style: chr8-133910479-C-T.
Other names: short protein forms Q1069*.
Identifiers: ClinVar variation 2804862 (VCV002804862.3), dbSNP rs780765199, ClinGen allele CA4883657.